The following is an entry in ClinVar:

ClinVar aggregate classification (germline): Likely benign. Review status: criteria provided, single submitter (1 of 4 stars). 3 submissions from 3 submitters: Likely benign (1). 2 of the submissions do not count toward it. Last evaluated 2025-02-01.

Conditions:
VPS13B-related disorder. Also called: VPS13B-related condition.
Cohen syndrome (COH1). Also called: PEPPER SYNDROME; Cutis verticis gyrata, retinitis pigmentosa, and sensorineural deafness. Identifiers: Orphanet 193, MedGen C0265223, MONDO:0008999, OMIM 216550.

Allele frequency attached by ClinVar (database versions not stated): TOPMed 0.00002.
gnomAD v4.1: 10 of 1,613,834 alleles (0.00062%); highest among the groups gnomAD compares: African/African-American, 0.011%; no homozygotes.

Submissions (3):

Labcorp Genetics (formerly Invitae), Labcorp
Classification: Likely benign for Cohen syndrome. Last evaluated: 2025-02-01. Review status: criteria provided, single submitter. Criteria: Invitae Variant Classification Sherloc (09022015). Collection method: clinical testing. Allele origin: germline.

PreventionGenetics, part of Exact Sciences
Classification: Likely benign for VPS13B-related condition. Last evaluated: 2021-07-12. Review status: no assertion criteria provided. Collection method: clinical testing. Allele origin: germline. Not counted in ClinVar's aggregate classification.
Comment: This variant is classified as likely benign based on ACMG/AMP sequence variant interpretation guidelines (Richards et al. 2015 PMID: 25741868, with internal and published modifications).

Natera, Inc.
Classification: Uncertain significance for Cohen syndrome. Last evaluated: 2020-08-15. Review status: no assertion criteria provided. Collection method: clinical testing. Allele origin: germline. Not counted in ClinVar's aggregate classification.

NM_152564.5(VPS13B):c.5502G>T (p.Ser1834=)

Gene: VPS13B (vacuolar protein sorting 13 homolog B; plus strand). Cytogenetic location: 8q22.2.
Variant type: single nucleotide variant.
Coding change: c.5502G>T on transcript NM_152564.5 (MANE Select); coding-DNA position 5502, G replaced by T.
Protein change: p.Ser1834=; no amino-acid change (serine 1834 retained).
Molecular consequence: synonymous variant.
Genome position (GRCh38, 1-based): chr8:99,642,092, G>T. VCF-style: chr8-99642092-G-T. GRCh37 (hg19) VCF-style: chr8-100654320-G-T.
Other names: c.5577G>T, p.Ser1859= (NM_017890.5); c.5502G>T (NM_152564.4).
Identifiers: ClinVar variation 991546 (VCV000991546.11), dbSNP rs143115716, ClinGen allele CA4823834.